The following is an entry in ClinVar:

NM_000719.7(CACNA1C):c.766G>A (p.Val256Met)

Gene: CACNA1C (calcium voltage-gated channel subunit alpha1 C; plus strand). Cytogenetic location: 12p13.33.
Variant type: single nucleotide variant.
Coding change: c.766G>A on transcript NM_000719.7 (MANE Select); coding-DNA position 766, G replaced by A.
Protein change: p.Val256Met; replaces valine 256 with methionine.
Molecular consequence: missense variant.
Genome position (GRCh38, 1-based): chr12:2,486,112, G>A. VCF-style: chr12-2486112-G-A. GRCh37 (hg19) VCF-style: chr12-2595278-G-A.
Other names: c.766G>A, p.Val256Met (NM_001129827.2, NM_001129829.2, NM_001129830.3 and 19 more transcripts); short protein forms V256M.
Identifiers: ClinVar variation 3370742 (VCV003370742.1).

ClinVar aggregate classification (germline): Uncertain significance (1 of 4 stars; one submission).

Submission:

GeneDx
Classification: Uncertain significance. Last evaluated: 2024-03-08. Review status: criteria provided, single submitter. Criteria: GeneDx Variant Classification Process June 2021. Collection method: clinical testing. Allele origin: germline. Affected: yes.
Comment: Not observed at significant frequency in large population cohorts (gnomAD); In silico analysis supports that this missense variant has a deleterious effect on protein structure/function; Has not been previously published as pathogenic or benign to our knowledge